The following is an entry in ClinVar:

ClinVar aggregate classification (germline): Pathogenic (1 of 4 stars; one submission).

Conditions:
Granulomatous disease, chronic, autosomal recessive, cytochrome b-negative. Also called: GRANULOMATOUS DISEASE, CHRONIC, AUTOSOMAL RECESSIVE, 4; Chronic granulomatous disease, autosomal, due to deficiency of CYBA; CGD DUE TO DEFICIENCY OF THE ALPHA SUBUNIT OF CYTOCHROME b; CGD, AUTOSOMAL RECESSIVE CYTOCHROME b-NEGATIVE; CYBA DEFICIENCY. Identifiers: Orphanet 379, MedGen C1856255, MONDO:0009308, OMIM 233690.

Submission:

Labcorp Genetics (formerly Invitae), Labcorp
Classification: Pathogenic for Granulomatous disease, chronic, autosomal recessive, cytochrome b-negative. Last evaluated: 2022-10-31. Review status: criteria provided, single submitter. Criteria: Invitae Variant Classification Sherloc (09022015). Collection method: clinical testing. Allele origin: germline.
Comment: This variant is a gross deletion of the genomic region encompassing exon(s) 1 of the CYBA gene, which includes the initiator codon. This deletion extends beyond the assayed region for this gene and therefore may encompass additional genes. It is expected to result in an absent or disrupted protein product. Loss-of-function variants in CYBA are known to be pathogenic (PMID: 10910929, 20167518, 22876374). A similar copy number variant has been observed in individual(s) with chronic granulomatous disease (PMID: 23910690). For these reasons, this variant has been classified as Pathogenic.

Literature cited by the submitters: PubMed 10910929; PubMed 20167518; PubMed 22876374; PubMed 23910690.

NC_000016.9:g.(?_88717354)_(88718353_?)del

Genes: CYBA (cytochrome b-245 alpha chain; minus strand), MVD (mevalonate diphosphate decarboxylase; minus strand). Cytogenetic location: 16q24.3.
Variant type: Deletion.
Identifiers: ClinVar variation 1458360 (VCV001458360.6).